The following is an entry in ClinVar:

ClinVar aggregate classification (germline): Uncertain significance. Review status: criteria provided, multiple submitters, no conflicts (2 of 4 stars). 2 submissions from 2 submitters: Uncertain significance (2). Last evaluated 2024-05-28.

Conditions:
Proteinuria, chronic benign. Identifiers: MedGen C5394384, MONDO:0030042, OMIM 618884.
Imerslund-Grasbeck syndrome type 1 (IGS1). Also called: Imerslund-Gräsbeck syndrome 1; Megaloblastic anemia 1, Finnish type; MEGALOBLASTIC ANEMIA, 1. Identifiers: MedGen C4016819, MONDO:0100156, OMIM 261100.
Imerslund-Grasbeck syndrome. Also called: PERNICIOUS ANEMIA, JUVENILE, DUE TO SELECTIVE INTESTINAL MALABSORPTION OF VITAMIN B12, WITH PROTEINURIA; Megaloblastic anemia due to inborn errors of metabolism; ENTEROCYTE COBALAMIN MALABSORPTION; ENTEROCYTE INTRINSIC FACTOR RECEPTOR, DEFECT OF; Imerslund-Gräsbeck syndrome. Identifiers: Orphanet 35858, MedGen C4551825, MONDO:0009853.

Allele frequency attached by ClinVar (database versions not stated): ExAC 0.00001; gnomAD 0.00001; 1000 Genomes Project 30x 0.00031; gnomAD exomes 0.00001; TOPMed 0.00001; 1000 Genomes Project 0.00020.
gnomAD v4.1: 43 of 1,613,512 alleles (0.0027%); highest among the groups gnomAD compares: Admixed American, 0.0033%; no homozygotes.

Submissions (2):

Fulgent Genetics
Classification: Uncertain significance for Imerslund-Grasbeck syndrome type 1; Proteinuria, chronic benign. Last evaluated: 2024-05-28. Review status: criteria provided, single submitter. Criteria: ACMG Guidelines, 2015. Collection method: clinical testing. Allele origin: germline.

Labcorp Genetics (formerly Invitae), Labcorp
Classification: Uncertain significance for Imerslund-Grasbeck syndrome. Last evaluated: 2021-07-31. Review status: criteria provided, single submitter. Criteria: Invitae Variant Classification Sherloc (09022015). Collection method: clinical testing. Allele origin: germline.
Comment: This sequence change replaces cysteine with tyrosine at codon 932 of the CUBN protein (p.Cys932Tyr). The cysteine residue is highly conserved and there is a large physicochemical difference between cysteine and tyrosine. This variant is present in population databases (rs572470830, ExAC 0.009%). This variant has not been reported in the literature in individuals affected with CUBN-related conditions. Algorithms developed to predict the effect of missense changes on protein structure and function (SIFT, PolyPhen-2, Align-GVGD) all suggest that this variant is likely to be disruptive. In summary, the available evidence is currently insufficient to determine the role of this variant in disease. Therefore, it has been classified as a Variant of Uncertain Significance.

NM_001081.4(CUBN):c.2795G>A (p.Cys932Tyr)

Gene: CUBN (cubilin; minus strand). Cytogenetic location: 10p13.
Variant type: single nucleotide variant.
Coding change: c.2795G>A on transcript NM_001081.4 (MANE Select); coding-DNA position 2795, G replaced by A.
Protein change: p.Cys932Tyr; replaces cysteine 932 with tyrosine.
Molecular consequence: missense variant.
Genome position (GRCh38, 1-based): chr10:17,068,277, C>T on the plus strand (G>A on the coding strand, the complement: CUBN is on the minus strand). VCF-style: chr10-17068277-C-T. GRCh37 (hg19) VCF-style: chr10-17110276-C-T.
Other names: short protein forms C932Y.
Identifiers: ClinVar variation 1440219 (VCV001440219.5), dbSNP rs572470830, ClinGen allele CA5424850.